The following is an entry in ClinVar:

NM_001123385.2(BCOR):c.439G>A (p.Ala147Thr)

Genes: BCOR (BCL6 corepressor; minus strand), LOC126863239 (MED14-independent group 3 enhancer GRCh37_chrX:39932994-39934193; plus strand). Cytogenetic location: Xp11.4.
Variant type: single nucleotide variant.
Coding change: c.439G>A on transcript NM_001123385.2 (MANE Select); coding-DNA position 439, G replaced by A.
Protein change: p.Ala147Thr; replaces alanine 147 with threonine.
Molecular consequence: missense variant.
Genome position (GRCh38, 1-based): chrX:40,074,907, C>T on the plus strand (G>A on the coding strand, the complement: BCOR is on the minus strand). VCF-style: chrX-40074907-C-T. GRCh37 (hg19) VCF-style: chrX-39934160-C-T.
Other names: c.439G>A, p.Ala147Thr (NM_001123383.2, NM_001123384.2, NM_017745.6); short protein forms A147T.
Identifiers: ClinVar variation 1309915 (VCV001309915.4), dbSNP rs2147271355, ClinGen allele CA412748735.

ClinVar aggregate classification (germline): Uncertain significance. Review status: criteria provided, multiple submitters, no conflicts (2 of 4 stars). 2 submissions from 2 submitters: Uncertain significance (2). Last evaluated 2024-01-02.

Conditions:
Inborn genetic diseases. Identifiers: MedGen C0950123, MeSH D030342.

Submissions (2):

Ambry Genetics
Classification: Uncertain significance for Inborn genetic diseases. Last evaluated: 2024-01-02. Review status: criteria provided, single submitter. Criteria: Ambry Variant Classification Scheme 2023. Collection method: clinical testing. Allele origin: germline.

GeneDx
Classification: Uncertain significance. Last evaluated: 2022-03-09. Review status: criteria provided, single submitter. Criteria: GeneDx Variant Classification Process June 2021. Collection method: clinical testing. Allele origin: germline. Affected: yes.
Comment: Not observed in large population cohorts (gnomAD); In silico analysis, which includes protein predictors and evolutionary conservation, supports that this variant does not alter protein structure/function; Has not been previously published as pathogenic or benign to our knowledge